The following is an entry in ClinVar:

ClinVar aggregate classification (germline): Uncertain significance (1 of 4 stars; one submission).

Submission:

Labcorp Genetics (formerly Invitae), Labcorp
Classification: Uncertain significance. Last evaluated: 2024-10-31. Review status: criteria provided, single submitter. Criteria: Invitae Variant Classification Sherloc (09022015). Collection method: clinical testing. Allele origin: germline.
Comment: This sequence change replaces alanine, which is neutral and non-polar, with glutamic acid, which is acidic and polar, at codon 186 of the POLE protein (p.Ala186Glu). This variant is not present in population databases (gnomAD no frequency). This variant has not been reported in the literature in individuals affected with POLE-related conditions. Invitae Evidence Modeling of protein sequence and biophysical properties (such as structural, functional, and spatial information, amino acid conservation, physicochemical variation, residue mobility, and thermodynamic stability) indicates that this missense variant is not expected to disrupt POLE protein function with a negative predictive value of 80%. In summary, the available evidence is currently insufficient to determine the role of this variant in disease. Therefore, it has been classified as a Variant of Uncertain Significance.

NM_006231.4(POLE):c.557C>A (p.Ala186Glu)

Gene: POLE (DNA polymerase epsilon, catalytic subunit; minus strand). Cytogenetic location: 12q24.33.
Variant type: single nucleotide variant.
Coding change: c.557C>A on transcript NM_006231.4 (MANE Select); coding-DNA position 557, C replaced by A.
Protein change: p.Ala186Glu; replaces alanine 186 with glutamic acid.
Molecular consequence: missense variant.
Genome position (GRCh38, 1-based): chr12:132,679,518, G>T on the plus strand (C>A on the coding strand, the complement: POLE is on the minus strand). VCF-style: chr12-132679518-G-T. GRCh37 (hg19) VCF-style: chr12-133256104-G-T.
Other names: short protein forms A186E.
Identifiers: ClinVar variation 3687170 (VCV003687170.2).